The following is an entry in ClinVar:

ClinVar aggregate classification (germline): Uncertain significance. Review status: criteria provided, multiple submitters, no conflicts (2 of 4 stars). 4 submissions from 4 submitters: Uncertain significance (3). 1 of the submissions does not count toward it. Last evaluated 2025-09-16.

Conditions:
SHOX-related short stature. Also called: SHORT STATURE, IDIOPATHIC, X-LINKED. Identifiers: Orphanet 314795, MedGen C1845118, MONDO:0010367, OMIM 300582. Disease mechanism: loss of function.

Allele frequency attached by ClinVar (database versions not stated): gnomAD exomes 0.00002; gnomAD 0.00003 and 0.00005; TOPMed 0.00005.
gnomAD v4.1: 43 of 1,598,724 alleles (0.0027%); highest among the groups gnomAD compares: Admixed American, 0.023%; no homozygotes.

Submissions (4):

Women's Health and Genetics/Laboratory Corporation of America, LabCorp
Classification: Uncertain significance. Last evaluated: 2025-09-16. Review status: criteria provided, single submitter. Criteria: LabCorp Variant Classification Summary - May 2015. Collection method: clinical testing. Allele origin: germline.
Comment: Variant summary: SHOX c.-65C>A is located in the untranslated mRNA region upstream of the initiation codon. Consensus agreement among computation tools predict no significant impact on normal splicing. However, these predictions have yet to be confirmed by functional studies. The variant was absent in 247626 control chromosomes. The available data on variant occurrences in the general population are insufficient to allow any conclusion about variant significance. c.-65C>A has been reported in the literature in individuals affected with Leri-Weill Dyschondrosteosis or suspected skeletal dysplasia (Grigelioniene_2001, Scocchia_2021). These reports do not provide unequivocal conclusions about association of the variant with Leri-Weill Dyschondrosteosis. To our knowledge, no experimental evidence demonstrating an impact on protein function has been reported. The following publications have been ascertained in the context of this evaluation (PMID: 11735031, 34627339). ClinVar contains an entry for this variant (Variation ID: 992440). Based on the evidence outlined above, the variant was classified as uncertain significance.

Mendelics
Classification: Uncertain significance. Last evaluated: 2022-05-04. Review status: criteria provided, single submitter. Criteria: Mendelics Assertion Criteria 2019. Collection method: clinical testing. Allele origin: germline.

Blueprint Genetics
Classification: Uncertain significance. Last evaluated: 2020-07-16. Review status: criteria provided, single submitter. Criteria: ACMG Guidelines, 2015. Collection method: clinical testing. Allele origin: germline.

Bioscientia Institut fuer Medizinische Diagnostik GmbH, Sonic Healthcare
Classification: Uncertain significance for SHOX-related short stature. Last evaluated: 2020-10-07. Review status: no assertion criteria provided. Collection method: clinical testing. Allele origin: germline. Affected: yes. Not counted in ClinVar's aggregate classification.

Literature cited by the submitters: PubMed 11735031 (cited by Women's Health and Genetics/Laboratory Corporation of America, LabCorp); PubMed 34627339 (cited by Women's Health and Genetics/Laboratory Corporation of America, LabCorp).

NM_000451.4(SHOX):c.-65C>A

Gene: SHOX (SHOX homeobox; plus strand). Cytogenetic location: Xp22.33.
Variant type: single nucleotide variant.
Coding change: c.-65C>A on transcript NM_000451.4 (MANE Select); 65 bases upstream of the start codon, C replaced by A.
Molecular consequence: 5 prime UTR variant.
Genome position (GRCh38, 1-based): chrX:630,833, C>A. VCF-style: chrX-630833-C-A. GRCh37 (hg19) VCF-style: chrX-591568-C-A.
Other names: c.-65C>A (NM_006883.2).
Identifiers: ClinVar variation 992440 (VCV000992440.6), dbSNP rs922062046, ClinGen allele CA325619291.